The following is an entry in ClinVar:

ClinVar aggregate classification (germline): Uncertain significance (1 of 4 stars; one submission).

Conditions:
Retinoblastoma (RB1). Also called: RETINOBLASTOMA, SOMATIC. Identifiers: Orphanet 790, MedGen C0035335, MeSH D012175, MONDO:0008380, OMIM 180200, HP:0009919. Disease mechanism: loss of function. Inheritance: Both sporadic and heritable forms are tested..

Submission:

Labcorp Genetics (formerly Invitae), Labcorp
Classification: Uncertain significance for Retinoblastoma. Last evaluated: 2021-01-07. Review status: criteria provided, single submitter. Criteria: Invitae Variant Classification Sherloc (09022015). Collection method: clinical testing. Allele origin: germline.
Comment: This variant has not been reported in the literature in individuals with RB1-related conditions. In summary, the available evidence is currently insufficient to determine the role of this variant in disease. Therefore, it has been classified as a Variant of Uncertain Significance. Algorithms developed to predict the effect of missense changes on protein structure and function are either unavailable or do not agree on the potential impact of this missense change (SIFT: "Tolerated"; PolyPhen-2: "Possibly Damaging"; Align-GVGD: "Class C0"). This variant is not present in population databases (ExAC no frequency). This sequence change replaces glutamic acid with glutamine at codon 545 of the RB1 protein (p.Glu545Gln). The glutamic acid residue is moderately conserved and there is a small physicochemical difference between glutamic acid and glutamine.

NM_000321.3(RB1):c.1633G>C (p.Glu545Gln)

Gene: RB1 (RB transcriptional corepressor 1; plus strand). Cytogenetic location: 13q14.2.
Variant type: single nucleotide variant.
Coding change: c.1633G>C on transcript NM_000321.3 (MANE Select); coding-DNA position 1633, G replaced by C.
Protein change: p.Glu545Gln; replaces glutamic acid 545 with glutamine.
Molecular consequence: missense variant.
Genome position (GRCh38, 1-based): chr13:48,381,381, G>C. VCF-style: chr13-48381381-G-C. GRCh37 (hg19) VCF-style: chr13-48955517-G-C.
Other names: short protein forms E545Q.
Identifiers: ClinVar variation 1363187 (VCV001363187.8), dbSNP rs1948534542, ClinGen allele CA388163839.